The following is an entry in ClinVar:

NM_015386.3(COG4):c.997del (p.Gln333fs)

Gene: COG4 (component of oligomeric golgi complex 4; minus strand). Cytogenetic location: 16q22.1.
Variant type: Deletion.
Coding change: c.997del on transcript NM_015386.3 (MANE Select); coding-DNA position 997, one base deleted (C; older notation c.997delC).
Protein change: p.Gln333fs; shifts the reading frame from glutamine 333.
Molecular consequence: frameshift variant. On other transcripts: non-coding transcript variant (1).
Genome position (GRCh38, 1-based): chr16:70,509,236, G deleted on the plus strand (C on the coding strand, the reverse complement: COG4 is on the minus strand); the first of 2 consecutive G bases (chr16:70,509,236-70,509,237); deleting either gives the same sequence. VCF-style (leftmost placement, unchanged base first): chr16-70509235-TG-T. GRCh37 (hg19) VCF-style: chr16-70543138-TG-T.
Other names: c.985del, p.Gln329fs (NM_001195139.2); c.571del, p.Gln191fs (NM_001365426.1); short protein forms Q329fs, Q333fs, Q191fs.
Identifiers: ClinVar variation 5005626 (VCV005005626.2).

ClinVar aggregate classification (germline): Likely pathogenic (1 of 4 stars; one submission).

Conditions:
COG4-congenital disorder of glycosylation. Also called: CONGENITAL DISORDER OF GLYCOSYLATION, TYPE IIj; CDG IIj; COG4-CDG. Identifiers: Orphanet 263501, MedGen C4303552, MONDO:0013281, OMIM 613489.

Submission:

Juno Genomics, Hangzhou Juno Genomics, Inc
Classification: Likely pathogenic for COG4-congenital disorder of glycosylation. Review status: criteria provided, single submitter. Criteria: ACMG Guidelines, 2015. Collection method: clinical testing. Allele origin: germline.
Comment: Null variant in a gene where loss of function (LOF) is a known mechanism of disease.;Absent from controls (or at extremely low frequency if recessive) in Genome Aggregation Database.